The following is an entry in ClinVar:

NM_002661.5(PLCG2):c.3384C>A (p.Asn1128Lys)

Gene: PLCG2 (phospholipase C gamma 2; plus strand). Cytogenetic location: 16q23.3.
Variant type: single nucleotide variant.
Coding change: c.3384C>A on transcript NM_002661.5 (MANE Select); coding-DNA position 3384, C replaced by A.
Protein change: p.Asn1128Lys; replaces asparagine 1128 with lysine.
Molecular consequence: missense variant.
Genome position (GRCh38, 1-based): chr16:81,939,962, C>A. VCF-style: chr16-81939962-C-A. GRCh37 (hg19) VCF-style: chr16-81973567-C-A.
Other names: short protein forms N1128K.
Identifiers: ClinVar variation 2066720 (VCV002066720.4), dbSNP rs2507768143, ClinGen allele CA396908574.

ClinVar aggregate classification (germline): Uncertain significance (1 of 4 stars; one submission).

Conditions:
Familial cold autoinflammatory syndrome 3 (FCAS3). Also called: ANTIBODY DEFICIENCY AND IMMUNE DYSREGULATION, PLCG2-ASSOCIATED; FAMILIAL ATYPICAL COLD URTICARIA. Identifiers: Orphanet 300359, MedGen C3280914, MONDO:0013766, OMIM 614468.

Submission:

Labcorp Genetics (formerly Invitae), Labcorp
Classification: Uncertain significance for Familial cold autoinflammatory syndrome 3. Last evaluated: 2021-12-30. Review status: criteria provided, single submitter. Criteria: Invitae Variant Classification Sherloc (09022015). Collection method: clinical testing. Allele origin: germline.
Comment: This sequence change replaces asparagine, which is neutral and polar, with lysine, which is basic and polar, at codon 1128 of the PLCG2 protein (p.Asn1128Lys). This variant is not present in population databases (gnomAD no frequency). This variant has not been reported in the literature in individuals affected with PLCG2-related conditions. Algorithms developed to predict the effect of missense changes on protein structure and function (SIFT, PolyPhen-2, Align-GVGD) all suggest that this variant is likely to be tolerated. In summary, the available evidence is currently insufficient to determine the role of this variant in disease. Therefore, it has been classified as a Variant of Uncertain Significance.